The following is an entry in ClinVar:

ClinVar aggregate classification (germline): Uncertain significance (1 of 4 stars; one submission).

Conditions:
Multiple endocrine neoplasia, type 1 (MEN1). Also called: Endocrine adenomatosis multiple; MEN 1; MEA I; MEN I; WERMER SYNDROME. Identifiers: Orphanet 652, MedGen C0025267, MeSH D018761, MONDO:0007540, OMIM 131100.

Submission:

All of Us Research Program, National Institutes of Health
Classification: Uncertain significance for Multiple endocrine neoplasia, type 1. Last evaluated: 2023-02-15. Review status: criteria provided, single submitter. Criteria: ACMG Guidelines, 2015. Collection method: clinical testing. Allele origin: germline. Inheritance: Autosomal dominant inheritance. Observed: 1 variant allele, 1 heterozygote.
Comment: This variant is located in the MEN1 protein. To our knowledge, functional studies have not been reported for this variant. This variant has not been reported in individuals affected with MEN1-related disorders in the literature. This variant has not been identified in the general population by the Genome Aggregation Database (gnomAD). The available evidence is insufficient to determine the role of this variant in disease conclusively. Therefore, this variant is classified as a Variant of Uncertain Significance.

This study involves interpretation of variants in research participants for the purpose of population health screening. Participant phenotype was not available at the time of variant classification. Additional details can be found in publication PMID: 35346344, PMCID: PMC8962531

NM_001370259.2(MEN1):c.1752A>G (p.Gln584=)

Gene: MEN1 (menin 1; minus strand). Cytogenetic location: 11q13.1.
Variant type: single nucleotide variant.
Coding change: c.1752A>G on transcript NM_001370259.2 (MANE Select); coding-DNA position 1752, A replaced by G.
Protein change: p.Gln584=; no amino-acid change (glutamine 584 retained).
Molecular consequence: synonymous variant. On other transcripts: non-coding transcript variant (4).
Genome position (GRCh38, 1-based): chr11:64,804,415, T>C on the plus strand (A>G on the coding strand, the complement: MEN1 is on the minus strand). VCF-style: chr11-64804415-T-C. GRCh37 (hg19) VCF-style: chr11-64571887-T-C.
Other names: c.1767A>G, p.Gln589= (NM_000244.4, NM_001407145.1, NM_130800.3 and 4 more transcripts); c.1878A>G, p.Gln626= (NM_001370251.2, NM_001407142.1, NM_001407143.1 and 1 more transcripts); c.1752A>G, p.Gln584= (NM_001370260.2, NM_001370261.2, NM_001407146.1 and 2 more transcripts); c.1647A>G, p.Gln549= (NM_001370262.2, NM_001370263.2, NM_001407148.1 and 1 more transcripts); c.1893A>G, p.Gln631= (NM_001407150.1); c.1773A>G, p.Gln591= (NM_001407151.1); c.1587A>G, p.Gln529= (NM_001407152.1).
Identifiers: ClinVar variation 3069362 (VCV003069362.1), dbSNP rs2497102103, ClinGen allele CA475163095.